The following is an entry in ClinVar:

NM_018100.4(EFHC1):c.1385T>C (p.Ile462Thr)

Gene: EFHC1 (EF-hand domain containing 1; plus strand). Cytogenetic location: 6p12.2.
Variant type: single nucleotide variant.
Coding change: c.1385T>C on transcript NM_018100.4 (MANE Select); coding-DNA position 1385, T replaced by C.
Protein change: p.Ile462Thr; replaces isoleucine 462 with threonine.
Molecular consequence: missense variant. On other transcripts: non-coding transcript variant (1).
Genome position (GRCh38, 1-based): chr6:52,479,143, T>C. VCF-style: chr6-52479143-T-C. GRCh37 (hg19) VCF-style: chr6-52343941-T-C.
Other names: p.I462T:ATT>ACT; c.1328T>C, p.Ile443Thr (NM_001172420.2); short protein forms I462T, I443T.
Identifiers: ClinVar variation 128963 (VCV000128963.22), dbSNP rs200116252, ClinGen allele CA231076.

ClinVar aggregate classification (germline): Conflicting classifications of pathogenicity. Review status: criteria provided, conflicting classifications (1 of 4 stars). 5 submissions from 5 submitters: Uncertain significance (4); Likely benign (1). Last evaluated 2025-12-02.

Conditions:
Absence seizure. Also called: Absence epilepsy. Identifiers: Orphanet 1941, MedGen C0014553.
Myoclonic epilepsy, juvenile, susceptibility to, 1. Also called: Myoclonic Epilepsy, Juvenile, 1; EJM1. Identifiers: MedGen C1850778, MONDO:0020752, OMIM 254770.
Juvenile myoclonic epilepsy (EJM). Also called: PETIT MAL, IMPULSIVE; JANZ SYNDROME. Identifiers: Orphanet 307, MedGen C0270853, MONDO:0009696.

Allele frequency attached by ClinVar (database versions not stated): gnomAD 0.00009; gnomAD exomes 0.00010 and 0.00016; TOPMed 0.00010; ExAC 0.00024.
gnomAD v4.1: 162 of 1,614,124 alleles (0.01%); highest among the groups gnomAD compares: Middle Eastern, 0.17%; no homozygotes.

Submissions (5):

Ambry Genetics
Classification: Uncertain significance. Last evaluated: 2025-12-02. Review status: criteria provided, single submitter. Criteria: Ambry Variant Classification Scheme 2023. Collection method: clinical testing. Allele origin: germline.

Labcorp Genetics (formerly Invitae), Labcorp
Classification: Likely benign for Myoclonic epilepsy, juvenile, susceptibility to, 1; Absence seizure. Last evaluated: 2024-07-08. Review status: criteria provided, single submitter. Criteria: Invitae Variant Classification Sherloc (09022015). Collection method: clinical testing. Allele origin: germline.

Fulgent Genetics
Classification: Uncertain significance for Myoclonic epilepsy, juvenile, susceptibility to, 1; Epilepsy, juvenile absence, susceptibility to, 1. Last evaluated: 2017-05-23. Review status: criteria provided, single submitter. Criteria: ACMG Guidelines, 2015. Collection method: clinical testing. Allele origin: unknown.

GeneDx
Classification: Uncertain significance. Last evaluated: 2015-12-28. Review status: criteria provided, single submitter. Criteria: GeneDx Variant Classification (06012015). Collection method: clinical testing. Allele origin: germline. Affected: yes.
Comment: The I462T variant has not been published as a pathogenic variant, nor has it been reported as a benign polymorphism to our knowledge. It was not observed in approximately 6,500 individuals of European and African American ancestry in the NHLBI Exome Sequencing Project, indicating it is not a common benign variant in these populations. The I462T variant is a non-conservative amino acid substitution, which is likely to impact secondary protein structure as these residues differ in polarity, charge, size and/or other properties. This substitution occurs at a position that is conserved across species. However, missense variants in nearby residues have not been reported in the Human Gene Mutation Database in association with EFHC1-related disorders (Stenson et al., 2014). In silico analysis is inconsistent in its predictions as to whether or not the variant is damaging to the protein structure/function.

Genetic Services Laboratory, University of Chicago
Classification: Uncertain significance. Last evaluated: 2013-10-24. Review status: criteria provided, single submitter. Criteria: ACMG Guidelines, 2007. Collection method: clinical testing. Allele origin: germline.